The following is an entry in ClinVar:

ClinVar aggregate classification (germline): Uncertain significance (1 of 4 stars; one submission).

Allele frequency attached by ClinVar (database versions not stated): gnomAD exomes below 0.00001; TOPMed below 0.00001; ExAC 0.00002.
gnomAD v4.1: 5 of 1,613,656 alleles (0.00031%); highest among the groups gnomAD compares: Admixed American, 0.0067%; no homozygotes.

Submission:

Labcorp Genetics (formerly Invitae), Labcorp
Classification: Uncertain significance. Last evaluated: 2022-08-07. Review status: criteria provided, single submitter. Criteria: Invitae Variant Classification Sherloc (09022015). Collection method: clinical testing. Allele origin: germline.
Comment: In summary, the available evidence is currently insufficient to determine the role of this variant in disease. Therefore, it has been classified as a Variant of Uncertain Significance. This sequence change falls in intron 5 of the ELOVL4 gene. It does not directly change the encoded amino acid sequence of the ELOVL4 protein. It affects a nucleotide within the consensus splice site. This variant is present in population databases (rs755560146, gnomAD 0.009%). This variant has not been reported in the literature in individuals affected with ELOVL4-related conditions. Variants that disrupt the consensus splice site are a relatively common cause of aberrant splicing (PMID: 17576681, 9536098). Algorithms developed to predict the effect of sequence changes on RNA splicing suggest that this variant is not likely to affect RNA splicing.

Literature cited by the submitters: PubMed 17576681; PubMed 9536098.

NM_022726.4(ELOVL4):c.669+3G>A

Gene: ELOVL4 (ELOVL fatty acid elongase 4; minus strand). Cytogenetic location: 6q14.1.
Variant type: single nucleotide variant.
Coding change: c.669+3G>A on transcript NM_022726.4 (MANE Select); 3 bases into the intron after coding-DNA position 669, G replaced by A.
Molecular consequence: intron variant.
Genome position (GRCh38, 1-based): chr6:79,919,417, C>T on the plus strand (G>A on the coding strand, the complement: ELOVL4 is on the minus strand). VCF-style: chr6-79919417-C-T. GRCh37 (hg19) VCF-style: chr6-80629134-C-T.
Identifiers: ClinVar variation 2122610 (VCV002122610.4), dbSNP rs755560146, ClinGen allele CA3901486.